The following is an entry in ClinVar:

ClinVar aggregate classification (germline): Pathogenic. Review status: criteria provided, multiple submitters, no conflicts (2 of 4 stars). 2 submissions from 2 submitters: Pathogenic (2). Last evaluated 2025-05-09.

Conditions:
Hereditary breast ovarian cancer syndrome. Also called: Breast and ovarian cancer; Hereditary breast and/or ovarian cancer syndrome; BRCA1- and BRCA2-Associated Hereditary Breast and Ovarian Cancer; Hereditary breast and ovarian cancer; Hereditary breast and ovarian cancer syndrome; Hereditary breast and ovarian cancer syndrome (HBOC). Identifiers: Orphanet 145, MedGen C0677776, MeSH D061325, MONDO:0003582. Disease mechanism: loss of function.

Submissions (2):

Women's Health and Genetics/Laboratory Corporation of America, LabCorp
Classification: Pathogenic for Hereditary breast ovarian cancer syndrome. Last evaluated: 2025-05-09. Review status: criteria provided, single submitter. Criteria: LabCorp Variant Classification Summary - May 2015. Collection method: clinical testing. Allele origin: germline.
Comment: Variant summary: BRCA2 c.4631_4632insG (p.Asn1544LysfsX4) results in a premature termination codon, predicted to cause a truncation of the encoded protein or absence of the protein due to nonsense mediated decay, which are commonly known mechanisms for disease. The variant was absent in 250196 control chromosomes. c.4631_4632insG has been observed in individual(s) affected with Hereditary Breast And Ovarian Cancer Syndrome (example: Dougherty_2017). The following publication has been ascertained in the context of this evaluation (PMID: 28525389). No submitters have cited clinical-significance assessments for this variant to ClinVar. Based on the evidence outlined above, the variant was classified as pathogenic.

Labcorp Genetics (formerly Invitae), Labcorp
Classification: Pathogenic for Hereditary breast ovarian cancer syndrome. Last evaluated: 2025-04-10. Review status: criteria provided, single submitter. Criteria: Invitae Variant Classification Sherloc (09022015). Collection method: clinical testing. Allele origin: germline.
Comment: This sequence change creates a premature translational stop signal (p.Asn1544Lysfs*4) in the BRCA2 gene. It is expected to result in an absent or disrupted protein product. Loss-of-function variants in BRCA2 are known to be pathogenic (PMID: 20104584). This variant is not present in population databases (gnomAD no frequency). This premature translational stop signal has been observed in individual(s) with breast and/or ovarian cancer (PMID: 17688236). For these reasons, this variant has been classified as Pathogenic.

Literature cited by the submitters: PubMed 28525389 (cited by Women's Health and Genetics/Laboratory Corporation of America, LabCorp); PubMed 20104584 (cited by Labcorp Genetics (formerly Invitae), Labcorp); PubMed 17688236 (cited by Labcorp Genetics (formerly Invitae), Labcorp).

NM_000059.4(BRCA2):c.4631_4632insG (p.Asn1544fs)

Gene: BRCA2 (BRCA2 DNA repair associated; plus strand). Cytogenetic location: 13q13.1.
Variant type: Insertion.
Coding change: c.4631_4632insG on transcript NM_000059.4 (MANE Select); coding-DNA positions 4631 to 4632, G inserted.
Protein change: p.Asn1544fs; shifts the reading frame from asparagine 1544.
Molecular consequence: frameshift variant. On other transcripts: non-coding transcript variant (1), intron variant (2).
Genome position: GRCh38 VCF-style: chr13-32338986-A-AG. GRCh37 (hg19) VCF-style: chr13-32913123-A-AG.
Other names: c.4631_4632insG, p.Asn1544fs (NM_001406719.1, NM_001406720.1, NM_001432077.1); c.1910-5572_1910-5571insG (NM_001406721.1); c.425-5572_425-5571insG (NM_001406722.1); short protein forms N1544fs.
Identifiers: ClinVar variation 3902363 (VCV003902363.2).